The following is an entry in ClinVar:

ClinVar aggregate classification (germline): Uncertain significance (1 of 4 stars; one submission).

Conditions:
Landau-Kleffner syndrome (FESD). Also called: APHASIA, ACQUIRED, WITH EPILEPSY; EPILEPSY, FOCAL, WITH SPEECH DISORDER AND WITH OR WITHOUT MENTAL RETARDATION. Identifiers: Orphanet 1945, Orphanet 725, Orphanet 98818, MedGen C0282512, MONDO:0009509, OMIM 245570.

Submission:

Baylor Genetics
Classification: Uncertain significance for Landau-Kleffner syndrome. Last evaluated: 2019-04-19. Review status: criteria provided, single submitter. Criteria: ACMG Guidelines, 2015. Collection method: clinical testing. Allele origin: paternal. Affected: yes.
Comment: This variant was determined to be of uncertain significance according to ACMG Guidelines, 2015 [PMID:25741868].

NM_001134407.3(GRIN2A):c.3379G>C (p.Gly1127Arg)

Gene: GRIN2A (glutamate ionotropic receptor NMDA type subunit 2A; minus strand). Cytogenetic location: 16p13.2.
Variant type: single nucleotide variant.
Coding change: c.3379G>C on transcript NM_001134407.3 (MANE Select); coding-DNA position 3379, G replaced by C.
Protein change: p.Gly1127Arg; replaces glycine 1127 with arginine.
Molecular consequence: missense variant.
Genome position (GRCh38, 1-based): chr16:9,764,165, C>G on the plus strand (G>C on the coding strand, the complement: GRIN2A is on the minus strand). VCF-style: chr16-9764165-C-G. GRCh37 (hg19) VCF-style: chr16-9858022-C-G.
Other names: c.3379G>C, p.Gly1127Arg (NM_000833.5, NM_001134408.2); short protein forms G1127R.
Identifiers: ClinVar variation 1028879 (VCV001028879.1), dbSNP rs1360004561, ClinGen allele CA394707997.
Genomic context (GRCh38, chr16:9,764,165, plus strand): 5'-AGTCCACGTTCTCGGGCAGGGTCACATTTTCAACAAACTGGGGTGGATCTAAGTGGAAAC[C>G]AGGCTCCTTCTCACCATCTATAGTGTAGATCTTGTCTCTAGGGGAGCTTGATTTGGTTTT-3'
Protein context (NP_001127879.1, residues 1117-1137): IYTIDGEKEP[Gly1127Arg]FHLDPPQFVE